The following is an entry in ClinVar:

NM_152296.5(ATP1A3):c.1247G>T (p.Gly416Val)

Gene: ATP1A3 (ATPase Na+/K+ transporting subunit alpha 3; minus strand). Cytogenetic location: 19q13.2.
Variant type: single nucleotide variant.
Coding change: c.1247G>T on transcript NM_152296.5 (MANE Select); coding-DNA position 1247, G replaced by T.
Protein change: p.Gly416Val; replaces glycine 416 with valine.
Molecular consequence: missense variant.
Genome position (GRCh38, 1-based): chr19:41,981,777, C>A on the plus strand (G>T on the coding strand, the complement: ATP1A3 is on the minus strand). VCF-style: chr19-41981777-C-A. GRCh37 (hg19) VCF-style: chr19-42485929-C-A.
Other names: c.1280G>T, p.Gly427Val (NM_001256213.2); c.1286G>T, p.Gly429Val (NM_001256214.2); short protein forms G416V, G427V, G429V.
Identifiers: ClinVar variation 3344280 (VCV003344280.1).
Genomic context (GRCh38, chr19:41,981,777, plus strand): 5'-CCCACCTTGAGCACAGGGATGTTGTCCTGACCACCCTTGAAGACAGCGCGATTGCAGAGC[C>A]CAGCGATGTGAGACAGGGCCACCCAGGTGTGCGAACTCTTGTCAAATGAGGTCCCTGGGG-3'
Protein context (NP_689509.1, residues 406-426): HTWVALSHIA[Gly416Val]LCNRAVFKGG

ClinVar aggregate classification (germline): Uncertain significance (0 of 4 stars; one submission).

Conditions:
ATP1A3-related disorder. Also called: ATP1A3-related condition; ATP1A3-related disorders. Identifiers: MedGen CN381097.

Submission:

PreventionGenetics, part of Exact Sciences
Classification: Uncertain significance for ATP1A3-related condition. Last evaluated: 2024-05-31. Review status: no assertion criteria provided. Collection method: clinical testing. Allele origin: germline.
Comment: The ATP1A3 c.1286G>T variant is predicted to result in the amino acid substitution p.Gly429Val. To our knowledge, this variant has not been reported in the literature or in gnomAD, indicating this variant is rare. At this time, the clinical significance of this variant is uncertain due to the absence of conclusive functional and genetic evidence.